The following is an entry in ClinVar:

ClinVar aggregate classification (germline): Likely benign (1 of 4 stars; one submission).

gnomAD v4.1: 8 of 1,613,964 alleles (0.0005%); highest among the groups gnomAD compares: Non-Finnish European, 0.00068%; no homozygotes.

Submission:

CeGaT Center for Human Genetics Tuebingen
Classification: Likely benign. Last evaluated: 2025-07-01. Review status: criteria provided, single submitter. Criteria: CeGaT Center For Human Genetics Tuebingen Variant Classification Criteria Version 2. Collection method: clinical testing. Allele origin: germline. Affected: yes. Observed: 1 variant allele.
Comment: MACF1: BS2

NM_001394062.1(MACF1):c.16922A>G (p.Asp5641Gly)

Gene: MACF1 (microtubule actin crosslinking factor 1; plus strand). Cytogenetic location: 1p34.3.
Variant type: single nucleotide variant.
Coding change: c.16922A>G on transcript NM_001394062.1 (MANE Select); coding-DNA position 16922, A replaced by G.
Protein change: p.Asp5641Gly; replaces aspartic acid 5641 with glycine.
Molecular consequence: missense variant.
Genome position (GRCh38, 1-based): chr1:39,429,860, A>G. VCF-style: chr1-39429860-A-G. GRCh37 (hg19) VCF-style: chr1-39895532-A-G.
Other names: c.4991A>G, p.Asp1664Gly (NM_001397473.1); c.10736A>G, p.Asp3579Gly (NM_012090.5); short protein forms D1664G, D3579G, D5641G.
Identifiers: ClinVar variation 4084222 (VCV004084222.8).